The following is an entry in ClinVar:

ClinVar aggregate classification (germline): Pathogenic (1 of 4 stars; one submission).

Conditions:
Alstrom syndrome (ALMS). Identifiers: Orphanet 64, MedGen C0268425, MONDO:0008763, OMIM 203800.

Submission:

Labcorp Genetics (formerly Invitae), Labcorp
Classification: Pathogenic for Alstrom syndrome. Last evaluated: 2022-02-24. Review status: criteria provided, single submitter. Criteria: Invitae Variant Classification Sherloc (09022015). Collection method: clinical testing. Allele origin: germline.
Comment: This variant has not been reported in the literature in individuals affected with ALMS1-related conditions. This variant is not present in population databases (gnomAD no frequency). This sequence change creates a premature translational stop signal (p.Arg2231Lysfs*6) in the ALMS1 gene. It is expected to result in an absent or disrupted protein product. Loss-of-function variants in ALMS1 are known to be pathogenic (PMID: 17594715). For these reasons, this variant has been classified as Pathogenic.

Literature cited by the submitters: PubMed 17594715.

NM_001378454.1(ALMS1):c.6688dup (p.Arg2230fs)

Gene: ALMS1 (ALMS1 centrosome and basal body associated protein; plus strand). Cytogenetic location: 2p13.1.
Variant type: Duplication.
Coding change: c.6688dup on transcript NM_001378454.1 (MANE Select); coding-DNA position 6688, one base duplicated (A; older notation c.6688dupA).
Protein change: p.Arg2230fs; shifts the reading frame from arginine 2230.
Molecular consequence: frameshift variant.
Genome position (GRCh38, 1-based): chr2:73,453,215, A duplicated. VCF-style (leftmost placement, unchanged base first): chr2-73453214-C-CA. GRCh37 (hg19) VCF-style: chr2-73680341-C-CA.
Other names: c.6691dup, p.Arg2231fs (NM_015120.4); short protein forms R2230fs, R2231fs.
Identifiers: ClinVar variation 1451396 (VCV001451396.6), dbSNP rs2103791083, ClinGen allele CA2573135783.